The following is an entry in ClinVar:

NM_003482.4(KMT2D):c.307C>T (p.Pro103Ser)

Gene: KMT2D (lysine methyltransferase 2D; minus strand). Cytogenetic location: 12q13.12.
Variant type: single nucleotide variant.
Coding change: c.307C>T on transcript NM_003482.4 (MANE Select); coding-DNA position 307, C replaced by T.
Protein change: p.Pro103Ser; replaces proline 103 with serine.
Molecular consequence: missense variant.
Genome position (GRCh38, 1-based): chr12:49,054,621, G>A on the plus strand (C>T on the coding strand, the complement: KMT2D is on the minus strand). VCF-style: chr12-49054621-G-A. GRCh37 (hg19) VCF-style: chr12-49448404-G-A.
Other names: short protein forms P103S.
Identifiers: ClinVar variation 575200 (VCV000575200.11), dbSNP rs976882824, ClinGen allele CA236623898.

ClinVar aggregate classification (germline): Conflicting classifications of pathogenicity. Review status: criteria provided, conflicting classifications (1 of 4 stars). 4 submissions from 4 submitters: Uncertain significance (3); Likely benign (1). Last evaluated 2026-08-21.

Conditions:
KMT2D-related disorder. Also called: KMT2D-Related Disorders.
Kabuki syndrome. Also called: Kabuki make-up syndrome; NIIKAWA-KUROKI SYNDROME. Identifiers: Orphanet 2322, MedGen C0796004, MONDO:0016512.
Choanal atresia-athelia-hypothyroidism-delayed puberty-short stature syndrome (BCAHH). Also called: BRANCHIAL ARCH ABNORMALITIES, CHOANAL ATRESIA, ATHELIA, HEARING LOSS, AND HYPOTHYROIDISM SYNDROME. Identifiers: Orphanet 589856, MedGen C5680310, MONDO:0035651, OMIM 620186.
Kabuki syndrome 1 (KABUK1). Also called: KMT2D-Related Kabuki Syndrome. Identifiers: Orphanet 2322, MedGen CN030661, MONDO:0007843, OMIM 147920.

Allele frequency attached by ClinVar (database versions not stated): gnomAD exomes below 0.00001; gnomAD 0.00001; TOPMed 0.00002.
gnomAD v4.1: 3 of 1,613,170 alleles (0.00019%); highest among the groups gnomAD compares: Admixed American, 0.0017%; no homozygotes.

Submissions (4):

PreventionGenetics, part of Exact Sciences
Classification: Uncertain significance for KMT2D-related condition. Last evaluated: 2026-08-21. Review status: criteria provided, single submitter. Criteria: ACMG Guidelines, 2015. Collection method: clinical testing. Allele origin: germline.
Comment: The KMT2D c.307C>T variant is predicted to result in the amino acid substitution p.Pro103Ser. To our knowledge, this variant has not been reported in the literature or in a large population database (gnomAD), indicating this variant is rare. At this time, the clinical significance of this variant is uncertain due to the absence of conclusive functional and genetic evidence.

Labcorp Genetics (formerly Invitae), Labcorp
Classification: Likely benign for Kabuki syndrome. Last evaluated: 2025-05-30. Review status: criteria provided, single submitter. Criteria: Invitae Variant Classification Sherloc (09022015). Collection method: clinical testing. Allele origin: germline.

Fulgent Genetics
Classification: Uncertain significance for Kabuki syndrome 1; Choanal atresia-athelia-hypothyroidism-delayed puberty-short stature syndrome. Last evaluated: 2024-06-03. Review status: criteria provided, single submitter. Criteria: ACMG Guidelines, 2015. Collection method: clinical testing. Allele origin: germline.

New York Genome Center
Classification: Uncertain significance for Kabuki syndrome 1. Last evaluated: 2020-05-14. Review status: criteria provided, single submitter. Criteria: NYGC Assertion Criteria 2020. Collection method: clinical testing. Allele origin: germline. Inheritance: Autosomal dominant inheritance. Observed: 1 heterozygote. Study: CSER-NYCKidSeq.